The following is an entry in ClinVar:

ClinVar aggregate classification (germline): Likely benign. Review status: criteria provided, multiple submitters, no conflicts (2 of 4 stars). 3 submissions from 3 submitters: Likely benign (3). Last evaluated 2024-04-16.

Conditions:
Multiple endocrine neoplasia, type 2 (MEN2). Identifiers: Orphanet 653, MedGen C4048306, MONDO:0019003. Disease mechanism: gain of function.
Hereditary cancer-predisposing syndrome. Also called: Tumor predisposition; Hereditary Cancer Syndrome; Neoplastic Syndromes, Hereditary; Hereditary neoplastic syndrome. Identifiers: Orphanet 140162, MedGen C0027672, MeSH D009386, MONDO:0015356.

Submissions (3):

All of Us Research Program, National Institutes of Health
Classification: Likely benign for Multiple endocrine neoplasia, type 2. Last evaluated: 2024-04-16. Review status: criteria provided, single submitter. Criteria: ACMG Guidelines, 2015. Collection method: clinical testing. Allele origin: germline. Inheritance: Autosomal dominant inheritance. Observed: 1 variant allele, 1 heterozygote.
Comment: This study involves interpretation of variants in research participants for the purpose of population health screening. Participant phenotype was not available at the time of variant classification. Additional details can be found in publication PMID: 35346344, PMCID: PMC8962531

Labcorp Genetics (formerly Invitae), Labcorp
Classification: Likely benign for Multiple endocrine neoplasia, type 2. Last evaluated: 2023-11-27. Review status: criteria provided, single submitter. Criteria: Invitae Variant Classification Sherloc (09022015). Collection method: clinical testing. Allele origin: germline.

Ambry Genetics
Classification: Likely benign for Hereditary cancer-predisposing syndrome. Last evaluated: 2019-01-11. Review status: criteria provided, single submitter. Criteria: Ambry Variant Classification Scheme 2023. Collection method: clinical testing. Allele origin: germline.

NM_020975.6(RET):c.3141C>A (p.Pro1047=)

Gene: RET (ret proto-oncogene; plus strand). Cytogenetic location: 10q11.21.
Variant type: single nucleotide variant.
Coding change: c.3141C>A on transcript NM_020975.6 (MANE Select); coding-DNA position 3141, C replaced by A.
Protein change: p.Pro1047=; no amino-acid change (proline 1047 retained).
Molecular consequence: synonymous variant. On other transcripts: intron variant (4).
Genome position (GRCh38, 1-based): chr10:43,126,676, C>A. VCF-style: chr10-43126676-C-A. GRCh37 (hg19) VCF-style: chr10-43622124-C-A.
Other names: c.3141C>A, p.Pro1047= (NM_000323.2, NM_001406743.1, NM_001406744.1 and 2 more transcripts); c.2379C>A, p.Pro793= (NM_001355216.2); c.3012C>A, p.Pro1004= (NM_001406761.1, NM_001406762.1, NM_001406764.1); c.3006C>A, p.Pro1002= (NM_001406763.1, NM_001406765.1); c.2853C>A, p.Pro951= (NM_001406766.1, NM_001406767.1, NM_001406770.1); c.2877C>A, p.Pro959= (NM_001406768.1); c.2745C>A, p.Pro915= (NM_001406769.1, NM_001406772.1); c.2703C>A, p.Pro901= (NM_001406771.1, NM_001406773.1); and 13 more.
Identifiers: ClinVar variation 822980 (VCV000822980.12), dbSNP rs372673589, ClinGen allele CA469032592.
Genomic context (GRCh38, chr10:43,126,676, plus strand): 5'-GATTTATGACGACGGCCTCTCAGAGGAGGAGACACCGCTGGTGGACTGTAATAATGCCCC[C>A]CTCCCTCGAGCCCTCCCTTCCACATGGATTGAAAACAAACTCTATGGTAGAATTTCCCAT-3'
Protein context (NP_066124.1, residues 1037-1057): ETPLVDCNNA[Pro1047=]LPRALPSTWI